The following is an entry in ClinVar:

NM_023110.3(FGFR1):c.995C>T (p.Ser332Phe)

Gene: FGFR1 (fibroblast growth factor receptor 1; minus strand). Cytogenetic location: 8p11.23.
Variant type: single nucleotide variant.
Coding change: c.995C>T on transcript NM_023110.3 (MANE Select); coding-DNA position 995, C replaced by T.
Protein change: p.Ser332Phe; replaces serine 332 with phenylalanine.
Molecular consequence: missense variant.
Genome position (GRCh38, 1-based): chr8:38,421,883, G>A on the plus strand (C>T on the coding strand, the complement: FGFR1 is on the minus strand). VCF-style: chr8-38421883-G-A. GRCh37 (hg19) VCF-style: chr8-38279401-G-A.
Other names: c.995C>T, p.Ser332Phe (NM_001174063.2); c.971C>T, p.Ser324Phe (NM_001174064.2); c.989C>T, p.Ser330Phe (NM_001174065.2, NM_001354367.2, NM_001354369.2 and 2 more transcripts); c.728C>T, p.Ser243Phe (NM_001174066.2, NM_023105.3); c.1088C>T, p.Ser363Phe (NM_001174067.2); c.722C>T, p.Ser241Phe (NM_001354368.2, NM_001354370.2, NM_023106.3); short protein forms S241F, S243F, S324F, S330F, S332F, S363F.
Identifiers: ClinVar variation 3342722 (VCV003342722.1).

ClinVar aggregate classification (germline): Uncertain significance (1 of 4 stars; one submission).

Submission:

GeneDx
Classification: Uncertain significance. Last evaluated: 2023-12-21. Review status: criteria provided, single submitter. Criteria: GeneDx Variant Classification Process June 2021. Collection method: clinical testing. Allele origin: germline. Affected: yes.
Comment: Reported in an individual with hypospadias (PMID: 35561789); Not observed at significant frequency in large population cohorts (gnomAD); In silico analysis supports that this missense variant has a deleterious effect on protein structure/function; This variant is associated with the following publications: (PMID: 35561789)